The following is an entry in ClinVar:

ClinVar aggregate classification (germline): Uncertain significance (1 of 4 stars; one submission).

Allele frequency attached by ClinVar (database versions not stated): gnomAD 0.00002; gnomAD exomes below 0.00001; TOPMed 0.00002.

Submission:

Labcorp Genetics (formerly Invitae), Labcorp
Classification: Uncertain significance. Last evaluated: 2025-09-14. Review status: criteria provided, single submitter. Criteria: Invitae Variant Classification Sherloc (09022015). Collection method: clinical testing. Allele origin: germline.
Comment: This sequence change falls in intron 8 of the DDX3X gene. It does not directly change the encoded amino acid sequence of the DDX3X protein. It affects a nucleotide within the consensus splice site. This variant is present in population databases (no rsID available, gnomAD 0.001%). This variant has not been reported in the literature in individuals affected with DDX3X-related conditions. ClinVar contains an entry for this variant (Variation ID: 2998861). Variants that disrupt the consensus splice site are a relatively common cause of aberrant splicing (PMID: 17576681, 9536098). Algorithms developed to predict the effect of sequence changes on RNA splicing suggest that this variant is not likely to affect RNA splicing. In summary, the available evidence is currently insufficient to determine the role of this variant in disease. Therefore, it has been classified as a Variant of Uncertain Significance.

Literature cited by the submitters: PubMed 17576681; PubMed 9536098.

NM_001356.5(DDX3X):c.765+4G>A

Gene: DDX3X (DEAD-box helicase 3 X-linked; plus strand). Cytogenetic location: Xp11.4.
Variant type: single nucleotide variant.
Coding change: c.765+4G>A on transcript NM_001356.5 (MANE Select); 4 bases into the intron after coding-DNA position 765, G replaced by A.
Molecular consequence: intron variant.
Genome position (GRCh38, 1-based): chrX:41,343,826, G>A. VCF-style: chrX-41343826-G-A. GRCh37 (hg19) VCF-style: chrX-41203079-G-A.
Other names: c.765+4G>A (NM_001193416.3); c.717+4G>A (NM_001193417.3); c.207+4G>A (NM_001363819.1).
Identifiers: ClinVar variation 2998861 (VCV002998861.3), dbSNP rs1232688647, ClinGen allele CA641474839.